The following is an entry in ClinVar:

NM_152594.3(SPRED1):c.685G>A (p.Val229Ile)

Gene: SPRED1 (sprouty related EVH1 domain containing 1; plus strand). Cytogenetic location: 15q14.
Variant type: single nucleotide variant.
Coding change: c.685G>A on transcript NM_152594.3 (MANE Select); coding-DNA position 685, G replaced by A.
Protein change: p.Val229Ile; replaces valine 229 with isoleucine.
Molecular consequence: missense variant.
Genome position (GRCh38, 1-based): chr15:38,351,014, G>A. VCF-style: chr15-38351014-G-A. GRCh37 (hg19) VCF-style: chr15-38643215-G-A.
Other names: c.685G>A (NM_152594.2); short protein forms V229I.
Identifiers: ClinVar variation 2436317 (VCV002436317.7), dbSNP rs201837340, ClinGen allele CA269293439.

ClinVar aggregate classification (germline): Uncertain significance. Review status: criteria provided, multiple submitters, no conflicts (2 of 4 stars). 3 submissions from 3 submitters: Uncertain significance (3). Last evaluated 2025-02-17.

Conditions:
Cardiovascular phenotype. Identifiers: MedGen CN230736.
Legius syndrome. Identifiers: Orphanet 137605, MedGen C1969623, MONDO:0012669, OMIM 611431. Disease mechanism: loss of function.

Allele frequency attached by ClinVar (database versions not stated): gnomAD 0.00002; TOPMed 0.00002.

Submissions (3):

Labcorp Genetics (formerly Invitae), Labcorp
Classification: Uncertain significance for Legius syndrome. Last evaluated: 2025-02-17. Review status: criteria provided, single submitter. Criteria: Invitae Variant Classification Sherloc (09022015). Collection method: clinical testing. Allele origin: germline.
Comment: This sequence change replaces valine, which is neutral and non-polar, with isoleucine, which is neutral and non-polar, at codon 229 of the SPRED1 protein (p.Val229Ile). This variant is present in population databases (no rsID available, gnomAD 0.01%). This variant has not been reported in the literature in individuals affected with SPRED1-related conditions. ClinVar contains an entry for this variant (Variation ID: 2436317). An algorithm developed to predict the effect of missense changes on protein structure and function (PolyPhen-2) suggests that this variant is likely to be tolerated. In summary, the available evidence is currently insufficient to determine the role of this variant in disease. Therefore, it has been classified as a Variant of Uncertain Significance.

Ambry Genetics
Classification: Uncertain significance for Cardiovascular phenotype. Last evaluated: 2025-01-06. Review status: criteria provided, single submitter. Criteria: Ambry Variant Classification Scheme 2023. Collection method: clinical testing. Allele origin: germline.
Comment: The p.V229I variant (also known as c.685G>A) is located in coding exon 7 of the SPRED1 gene. The valine at codon 229 is replaced by isoleucine, an amino acid with highly similar properties. This change occurs in the first base pair of coding exon 7. This amino acid position is conserved. In addition, this alteration is predicted to be tolerated by in silico analysis. Based on the available evidence, the clinical significance of this variant remains unclear.

Revvity Omics, Revvity
Classification: Uncertain significance for Legius syndrome. Last evaluated: 2021-10-30. Review status: criteria provided, single submitter. Criteria: ACMG Guidelines, 2015. Collection method: clinical testing. Allele origin: germline.